The following is an entry in ClinVar:

ClinVar aggregate classification (germline): Uncertain significance (1 of 4 stars; one submission).

Conditions:
Inborn genetic diseases. Identifiers: MedGen C0950123, MeSH D030342.

Submission:

Ambry Genetics
Classification: Uncertain significance for Inborn genetic diseases. Last evaluated: 2025-08-25. Review status: criteria provided, single submitter. Criteria: Ambry Variant Classification Scheme 2023. Collection method: clinical testing. Allele origin: germline.
Comment: The p.P847A variant (also known as c.2539C>G), located in coding exon 14 of the FANCM gene, results from a C to G substitution at nucleotide position 2539. The proline at codon 847 is replaced by alanine, an amino acid with highly similar properties. This amino acid position is conserved. In addition, this alteration is predicted to be tolerated by in silico analysis. Based on the available evidence, the clinical significance of this variant remains unclear.

NM_020937.4(FANCM):c.2539C>G (p.Pro847Ala)

Gene: FANCM (FA complementation group M; plus strand). Cytogenetic location: 14q21.2.
Variant type: single nucleotide variant.
Coding change: c.2539C>G on transcript NM_020937.4 (MANE Select); coding-DNA position 2539, C replaced by G.
Protein change: p.Pro847Ala; replaces proline 847 with alanine.
Molecular consequence: missense variant.
Genome position (GRCh38, 1-based): chr14:45,175,293, C>G. VCF-style: chr14-45175293-C-G. GRCh37 (hg19) VCF-style: chr14-45644496-C-G.
Other names: c.2461C>G, p.Pro821Ala (NM_001308133.2); short protein forms P821A, P847A.
Identifiers: ClinVar variation 4254708 (VCV004254708.1).